The following is an entry in ClinVar:

NM_000868.4(HTR2C):c.174T>G (p.Leu58=)

Gene: HTR2C (5-hydroxytryptamine receptor 2C; plus strand). Cytogenetic location: Xq23.
Variant type: single nucleotide variant.
Coding change: c.174T>G on transcript NM_000868.4 (MANE Select); coding-DNA position 174, T replaced by G.
Protein change: p.Leu58=; no amino-acid change (leucine 58 retained).
Molecular consequence: synonymous variant.
Genome position (GRCh38, 1-based): chrX:114,731,432, T>G. VCF-style: chrX-114731432-T-G. GRCh37 (hg19) VCF-style: chrX-113965841-T-G.
Other names: c.174T>G, p.Leu58= (NM_001256760.3, NM_001256761.3).
Identifiers: ClinVar variation 4995764 (VCV004995764.1).
Genomic context (GRCh38, chrX:114,731,432, plus strand): 5'-CAATACCTCCGATGGTGGACGCTTCAAATTCCCAGACGGGGTACAAAACTGGCCAGCACT[T>G]TCAATCGTCATCATAATAATCATGACAATAGGTGGCAACATCCTTGTGATCATGGCAGTA-3'
Protein context (NP_000859.2, residues 48-68): FPDGVQNWPA[Leu58=]SIVIIIIMTI

ClinVar aggregate classification (germline): Likely benign (1 of 4 stars; one submission).

Conditions:
HTR2C-related disorder. Also called: HTR2C-related condition.

Submission:

PreventionGenetics, part of Exact Sciences
Classification: Likely benign for HTR2C-related condition. Last evaluated: 2026-01-20. Review status: criteria provided, single submitter. Criteria: ACMG Guidelines, 2015. Collection method: clinical testing. Allele origin: germline.
Comment: This variant is classified as likely benign based on ACMG/AMP sequence variant interpretation guidelines (Richards et al. 2015 PMID: 25741868, with internal and published modifications).